The following is an entry in ClinVar:

ClinVar aggregate classification (germline): Uncertain significance. Review status: criteria provided, multiple submitters, no conflicts (2 of 4 stars). 2 submissions from 2 submitters: Uncertain significance (2). Last evaluated 2021-11-09.

Conditions:
Combined immunodeficiency due to DOCK8 deficiency (HIES2). Also called: HYPER-IgE SYNDROME 2, AUTOSOMAL RECESSIVE, WITH RECURRENT INFECTIONS; Hyper-IgE recurrent infection syndrome, autosomal recessive; HYPER-IgE RECURRENT INFECTION SYNDROME 2, AUTOSOMAL RECESSIVE; HIES autosomal recessive; DOCK8 Deficiency. Identifiers: Orphanet 217390, MedGen C4722305, MONDO:0009478, OMIM 243700.

Allele frequency attached by ClinVar (database versions not stated): TOPMed below 0.00001.
gnomAD v4.1: 2 of 1,614,232 alleles (0.00012%); highest among the groups gnomAD compares: Non-Finnish European, 0.00017%; no homozygotes.

Submissions (2):

Blueprint Genetics
Classification: Uncertain significance. Last evaluated: 2021-11-09. Review status: criteria provided, single submitter. Criteria: ACMG Guidelines, 2015. Collection method: clinical testing. Allele origin: germline.

Labcorp Genetics (formerly Invitae), Labcorp
Classification: Uncertain significance for Combined immunodeficiency due to DOCK8 deficiency. Last evaluated: 2021-06-13. Review status: criteria provided, single submitter. Criteria: Invitae Variant Classification Sherloc (09022015). Collection method: clinical testing. Allele origin: germline.
Comment: This sequence change replaces serine with isoleucine at codon 1273 of the DOCK8 protein (p.Ser1273Ile). The serine residue is moderately conserved and there is a large physicochemical difference between serine and isoleucine. This variant is not present in population databases (ExAC no frequency). In summary, the available evidence is currently insufficient to determine the role of this variant in disease. Therefore, it has been classified as a Variant of Uncertain Significance. Algorithms developed to predict the effect of missense changes on protein structure and function (SIFT, PolyPhen-2, Align-GVGD) all suggest that this variant is likely to be tolerated, but these predictions have not been confirmed by published functional studies and their clinical significance is uncertain. This variant has not been reported in the literature in individuals with DOCK8-related conditions.

NM_203447.4(DOCK8):c.3818G>T (p.Ser1273Ile)

Gene: DOCK8 (dedicator of cytokinesis 8; plus strand). Cytogenetic location: 9p24.3.
Variant type: single nucleotide variant.
Coding change: c.3818G>T on transcript NM_203447.4 (MANE Select); coding-DNA position 3818, G replaced by T.
Protein change: p.Ser1273Ile; replaces serine 1273 with isoleucine.
Molecular consequence: missense variant.
Genome position (GRCh38, 1-based): chr9:418,185, G>T. VCF-style: chr9-418185-G-T. GRCh37 (hg19) VCF-style: chr9-418185-G-T.
Other names: c.3518G>T, p.Ser1173Ile (NM_001190458.2); c.3614G>T, p.Ser1205Ile (NM_001193536.2); short protein forms S1205I, S1173I, S1273I.
Identifiers: ClinVar variation 1433028 (VCV001433028.9), dbSNP rs755259505, ClinGen allele CA372762439.